The following is an entry in ClinVar:

ClinVar aggregate classification (germline): Uncertain significance (1 of 4 stars; one submission).

Conditions:
Nephronophthisis. Also called: Juvenile Nephronophthisis. Identifiers: Orphanet 655, MedGen C0687120, MONDO:0019005, HP:0000090.

Submission:

Labcorp Genetics (formerly Invitae), Labcorp
Classification: Uncertain significance for Nephronophthisis. Last evaluated: 2022-06-27. Review status: criteria provided, single submitter. Criteria: Invitae Variant Classification Sherloc (09022015). Collection method: clinical testing. Allele origin: germline.
Comment: This sequence change replaces proline, which is neutral and non-polar, with arginine, which is basic and polar, at codon 511 of the NPHP4 protein (p.Pro511Arg). This variant is not present in population databases (gnomAD no frequency). This variant has not been reported in the literature in individuals affected with NPHP4-related conditions. ClinVar contains an entry for this variant (Variation ID: 1053855). Algorithms developed to predict the effect of missense changes on protein structure and function are either unavailable or do not agree on the potential impact of this missense change (SIFT: "Deleterious"; PolyPhen-2: "Probably Damaging"; Align-GVGD: "Class C0"). In summary, the available evidence is currently insufficient to determine the role of this variant in disease. Therefore, it has been classified as a Variant of Uncertain Significance.

NM_015102.5(NPHP4):c.1532C>G (p.Pro511Arg)

Gene: NPHP4 (nephrocystin 4; minus strand). Cytogenetic location: 1p36.31.
Variant type: single nucleotide variant.
Coding change: c.1532C>G on transcript NM_015102.5 (MANE Select); coding-DNA position 1532, C replaced by G.
Protein change: p.Pro511Arg; replaces proline 511 with arginine.
Molecular consequence: missense variant. On other transcripts: non-coding transcript variant (1), intron variant (2).
Genome position (GRCh38, 1-based): chr1:5,907,194, G>C on the plus strand (C>G on the coding strand, the complement: NPHP4 is on the minus strand). VCF-style: chr1-5907194-G-C. GRCh37 (hg19) VCF-style: chr1-5967254-G-C.
Other names: c.76-1411C>G (NM_001291594.2); c.76-1414C>G (NM_001291593.2); short protein forms P511R.
Identifiers: ClinVar variation 1053855 (VCV001053855.9), dbSNP rs761974713, ClinGen allele CA338057038.